The following is an entry in ClinVar:

ClinVar aggregate classification (germline): Uncertain significance. Review status: criteria provided, multiple submitters, no conflicts (2 of 4 stars). 2 submissions from 2 submitters: Uncertain significance (2). Last evaluated 2025-05-25.

Conditions:
Malignant hyperthermia, susceptibility to, 1 (MHS1). Also called: Anesthesia related hyperthermia; Malignant hyperpyrexia; Fulminating hyperpyrexia; Pharmacogenic myopathy; RYR1-Related Malignant Hyperthermia Susceptibility; Malignant hyperthermia suceptibility 1. Identifiers: Orphanet 423, MedGen C2930980, MONDO:0007783, OMIM 145600.

Submissions (2):

Color Diagnostics, LLC DBA Color Health
Classification: Uncertain significance for Malignant hyperthermia, susceptibility to, 1. Last evaluated: 2025-05-25. Review status: criteria provided, single submitter. Criteria: ACMG Guidelines, 2015. Collection method: clinical testing. Allele origin: germline.
Comment: This missense variant replaces threonine with isoleucine at codon 1545 of the RYR1 protein. Computational prediction is inconclusive regarding the impact of this variant on protein structure and function. To our knowledge, functional studies have not been reported for this variant. This variant has not been reported in individuals affected with RYR1-related disorders in the literature. This variant has not been identified in the general population by the Genome Aggregation Database (gnomAD). The available evidence is insufficient to determine the role of this variant in disease conclusively. Therefore, this variant is classified as a Variant of Uncertain Significance.

All of Us Research Program, National Institutes of Health
Classification: Uncertain significance for Malignant hyperthermia, susceptibility to, 1. Last evaluated: 2024-01-11. Review status: criteria provided, single submitter. Criteria: ACMG Guidelines, 2015. Collection method: clinical testing. Allele origin: germline. Inheritance: Autosomal dominant inheritance. Observed: 1 variant allele, 1 heterozygote.
Comment: This study involves interpretation of variants in research participants for the purpose of population health screening. Participant phenotype was not available at the time of variant classification. Additional details can be found in publication PMID: 35346344, PMCID: PMC8962531

NM_000540.3(RYR1):c.4634C>T (p.Thr1545Ile)

Gene: RYR1 (ryanodine receptor 1; plus strand). Cytogenetic location: 19q13.2.
Variant type: single nucleotide variant.
Coding change: c.4634C>T on transcript NM_000540.3 (MANE Select); coding-DNA position 4634, C replaced by T.
Protein change: p.Thr1545Ile; replaces threonine 1545 with isoleucine.
Molecular consequence: missense variant.
Genome position (GRCh38, 1-based): chr19:38,483,040, C>T. VCF-style: chr19-38483040-C-T. GRCh37 (hg19) VCF-style: chr19-38973680-C-T.
Other names: c.4634C>T, p.Thr1545Ile (NM_001042723.2); short protein forms T1545I.
Identifiers: ClinVar variation 3074886 (VCV003074886.2), dbSNP rs1969091538, ClinGen allele CA405649325.
Genomic context (GRCh38, chr19:38,483,040, plus strand): 5'-CCTCCAGCCCACCCGTTTGCTCACCTCGTCCTCTTCTCCTCTGCCAGGTGGAACCCAACA[C>T]TAAGCTATTTCCTGCCGTCTTCGTCCTGCCCACCCACCAGAACGTCATCCAGTTTGAGCT-3'
Protein context (NP_000531.2, residues 1535-1555): SNTFFQVEPN[Thr1545Ile]KLFPAVFVLP